The following is an entry in ClinVar:

ClinVar aggregate classification (germline): Uncertain significance (1 of 4 stars; one submission).

Conditions:
Familial acute necrotizing encephalopathy (IIAE3). Also called: ENCEPHALOPATHY, ACUTE, INFECTION-INDUCED, SUSCEPTIBILITY TO, 3; Susceptibility to Acute Necrotizing Encephalopathy 1. Identifiers: Orphanet 88619, MedGen C2675556, MONDO:0011953, OMIM 608033.

Allele frequency attached by ClinVar (database versions not stated): gnomAD exomes 0.00004; gnomAD 0.00006 and 0.00008; 1000 Genomes Project 30x 0.00016.
gnomAD v4.1: 93 of 1,611,850 alleles (0.0058%); highest among the groups gnomAD compares: South Asian, 0.051%; 2 homozygotes.

Submission:

Labcorp Genetics (formerly Invitae), Labcorp
Classification: Uncertain significance for Familial acute necrotizing encephalopathy. Last evaluated: 2024-02-24. Review status: criteria provided, single submitter. Criteria: Invitae Variant Classification Sherloc (09022015). Collection method: clinical testing. Allele origin: germline.
Comment: This sequence change replaces leucine, which is neutral and non-polar, with valine, which is neutral and non-polar, at codon 2403 of the RANBP2 protein (p.Leu2403Val). This variant is present in population databases (no rsID available, gnomAD 0.02%). This variant has not been reported in the literature in individuals affected with RANBP2-related conditions. ClinVar contains an entry for this variant (Variation ID: 852529). Advanced modeling of protein sequence and biophysical properties (such as structural, functional, and spatial information, amino acid conservation, physicochemical variation, residue mobility, and thermodynamic stability) performed at Invitae indicates that this missense variant is not expected to disrupt RANBP2 protein function with a negative predictive value of 80%. In summary, the available evidence is currently insufficient to determine the role of this variant in disease. Therefore, it has been classified as a Variant of Uncertain Significance.

NM_006267.5(RANBP2):c.7207T>G (p.Leu2403Val)

Gene: RANBP2 (RAN binding protein 2; plus strand). Cytogenetic location: 2q13.
Variant type: single nucleotide variant.
Coding change: c.7207T>G on transcript NM_006267.5 (MANE Select); coding-DNA position 7207, T replaced by G.
Protein change: p.Leu2403Val; replaces leucine 2403 with valine.
Molecular consequence: missense variant.
Genome position (GRCh38, 1-based): chr2:108,767,746, T>G. VCF-style: chr2-108767746-T-G. GRCh37 (hg19) VCF-style: chr2-109384202-T-G.
Other names: short protein forms L2403V.
Identifiers: ClinVar variation 852529 (VCV000852529.7), dbSNP rs1198374414, ClinGen allele CA348077297.
Genomic context (GRCh38, chr2:108,767,746, plus strand): 5'-AATCACAGAATAACTCCAGACATGACTTTGCAAAATATGAAAGGGACAGAAAGAGTATGG[T>G]TGTGGACTGCATGTGATTTTGCAGATGGAGAAAGAAAAGTAGAGCATTTAGCTGTTCGTT-3'
Protein context (NP_006258.3, residues 2393-2413): QNMKGTERVW[Leu2403Val]WTACDFADGE